The following is an entry in ClinVar:

NM_024769.5(CLMP):c.946C>T (p.Arg316Trp)

Gene: CLMP (CXADR like cell adhesion molecule; minus strand). Cytogenetic location: 11q24.1.
Variant type: single nucleotide variant.
Coding change: c.946C>T on transcript NM_024769.5 (MANE Select); coding-DNA position 946, C replaced by T.
Protein change: p.Arg316Trp; replaces arginine 316 with tryptophan.
Molecular consequence: missense variant.
Genome position (GRCh38, 1-based): chr11:123,073,650, G>A on the plus strand (C>T on the coding strand, the complement: CLMP is on the minus strand). VCF-style: chr11-123073650-G-A. GRCh37 (hg19) VCF-style: chr11-122944358-G-A.
Other names: short protein forms R316W.
Identifiers: ClinVar variation 5034635 (VCV005034635.1).

ClinVar aggregate classification (germline): Uncertain significance (1 of 4 stars; one submission).

Conditions:
Inborn genetic diseases. Identifiers: MedGen C0950123, MeSH D030342.

Submission:

Ambry Genetics
Classification: Uncertain significance for Inborn genetic diseases. Last evaluated: 2026-07-28. Review status: criteria provided, single submitter. Criteria: Ambry Variant Classification Scheme 2023. Collection method: clinical testing. Allele origin: germline.
Comment: The c.946C>T (p.R316W) alteration is located in exon 7 (coding exon 7) of the CLMP gene. This alteration results from a C to T substitution at nucleotide position 946, causing the arginine (R) at amino acid position 316 to be replaced by a tryptophan (W). Based on data from gnomAD, the T allele has an overall frequency of 0.002% (6/282844) total alleles studied. The highest observed frequency was 0.005% (1/19954) of East Asian alleles. Based on insufficient or conflicting evidence, the clinical significance of this alteration remains unclear.